The following is an entry in ClinVar:

NM_001267550.2(TTN):c.45594A>T (p.Ala15198=)

Genes: TTN (titin; minus strand), LOC126806427 (BRD4-independent group 4 enhancer GRCh37_chr2:179485777-179486976; plus strand). Cytogenetic location: 2q31.2.
Variant type: single nucleotide variant.
Coding change: c.45594A>T on transcript NM_001267550.2 (MANE Select); coding-DNA position 45594, A replaced by T.
Protein change: p.Ala15198=; no amino-acid change (alanine 15198 retained).
Molecular consequence: synonymous variant.
Genome position (GRCh38, 1-based): chr2:178,621,124, T>A on the plus strand (A>T on the coding strand, the complement: TTN is on the minus strand). VCF-style: chr2-178621124-T-A. GRCh37 (hg19) VCF-style: chr2-179485851-T-A.
Other names: c.40671A>T, p.Ala13557= (NM_001256850.1); c.18399A>T, p.Ala6133= (NM_003319.4); c.37890A>T, p.Ala12630= (NM_133378.4); c.18774A>T, p.Ala6258= (NM_133432.3); c.18975A>T, p.Ala6325= (NM_133437.4).
Identifiers: ClinVar variation 1089364 (VCV001089364.17), dbSNP rs368632402, ClinGen allele CA1995412.

ClinVar aggregate classification (germline): Likely benign. Review status: criteria provided, multiple submitters, no conflicts (2 of 4 stars). 6 submissions from 6 submitters: Likely benign (3). 3 of the submissions do not count toward it. Last evaluated 2025-11-02.

Conditions:
Dilated cardiomyopathy 1G (CMD1G). Identifiers: Orphanet 154, MedGen C1858763, MONDO:0011400, OMIM 604145.
Autosomal recessive limb-girdle muscular dystrophy type 2J (LGMDR10). Also called: Limb-girdle muscular dystrophy, type 2J; MUSCULAR DYSTROPHY, LIMB-GIRDLE, AUTOSOMAL RECESSIVE 10. Identifiers: Orphanet 140922, MedGen C1837342, MONDO:0012127, OMIM 608807.
Cardiovascular phenotype. Identifiers: MedGen CN230736.

Allele frequency attached by ClinVar (database versions not stated): gnomAD exomes 0.00001 and 0.00002; ExAC 0.00002; gnomAD 0.00005; ESP Exome Variant Server 0.00008.
gnomAD v4.1: 34 of 1,612,410 alleles (0.0021%); highest among the groups gnomAD compares: Non-Finnish European, 0.0029%; no homozygotes.

Submissions (6):

Labcorp Genetics (formerly Invitae), Labcorp
Classification: Likely benign for Dilated cardiomyopathy 1G; Autosomal recessive limb-girdle muscular dystrophy type 2J. Last evaluated: 2025-11-02. Review status: criteria provided, single submitter. Criteria: Invitae Variant Classification Sherloc (09022015). Collection method: clinical testing. Allele origin: germline.

Molecular Diagnostic Laboratory for Inherited Cardiovascular Disease, Montreal Heart Institute
Classification: Likely benign. Last evaluated: 2025-04-09. Review status: criteria provided, single submitter. Criteria: ACMG Guidelines, 2015. Collection method: clinical testing. Allele origin: germline. Affected: no.
Comment: BP6;BP7

Ambry Genetics
Classification: Likely benign for Cardiovascular phenotype. Last evaluated: 2021-11-29. Review status: criteria provided, single submitter. Criteria: Ambry Variant Classification Scheme 2023. Collection method: clinical testing. Allele origin: germline.

Clinical Genetics DNA and cytogenetics Diagnostics Lab, Erasmus MC, Erasmus Medical Center
Classification: Likely benign. Review status: no assertion criteria provided. Collection method: clinical testing. Allele origin: germline. Affected: yes. Study: VKGL Data-share Consensus. Not counted in ClinVar's aggregate classification.

Clinical Genetics, Academic Medical Center
Classification: Benign. Review status: no assertion criteria provided. Collection method: clinical testing. Allele origin: germline. Affected: yes. Study: VKGL Data-share Consensus. Not counted in ClinVar's aggregate classification.

Joint Genome Diagnostic Labs from Nijmegen and Maastricht, Radboudumc and MUMC+
Classification: Likely benign. Review status: no assertion criteria provided. Collection method: clinical testing. Allele origin: germline. Affected: yes. Study: VKGL Data-share Consensus. Not counted in ClinVar's aggregate classification.